The following is an entry in ClinVar:

ClinVar aggregate classification (germline): Likely benign. Review status: criteria provided, single submitter (1 of 4 stars). 2 submissions from 2 submitters: Likely benign (1). 1 of the submissions does not count toward it. Last evaluated 2025-10-11.

Conditions:
RAI1-related disorder. Also called: RAI1-related condition.

Submissions (2):

Labcorp Genetics (formerly Invitae), Labcorp
Classification: Likely benign. Last evaluated: 2025-10-11. Review status: criteria provided, single submitter. Criteria: Invitae Variant Classification Sherloc (09022015). Collection method: clinical testing. Allele origin: germline.

PreventionGenetics, part of Exact Sciences
Classification: Likely benign for RAI1-related condition. Last evaluated: 2024-08-23. Review status: no assertion criteria provided. Collection method: clinical testing. Allele origin: germline. Not counted in ClinVar's aggregate classification.
Comment: This variant is classified as likely benign based on ACMG/AMP sequence variant interpretation guidelines (Richards et al. 2015 PMID: 25741868, with internal and published modifications).

NM_030665.4(RAI1):c.3162G>A (p.Arg1054=)

Gene: RAI1 (retinoic acid induced 1; plus strand). Cytogenetic location: 17p11.2.
Variant type: single nucleotide variant.
Coding change: c.3162G>A on transcript NM_030665.4 (MANE Select); coding-DNA position 3162, G replaced by A.
Protein change: p.Arg1054=; no amino-acid change (arginine 1054 retained).
Molecular consequence: synonymous variant.
Genome position (GRCh38, 1-based): chr17:17,796,110, G>A. VCF-style: chr17-17796110-G-A. GRCh37 (hg19) VCF-style: chr17-17699424-G-A.
Identifiers: ClinVar variation 3344528 (VCV003344528.3).